The following is an entry in ClinVar:

NM_032043.3(BRIP1):c.3080A>C (p.Glu1027Ala)

Gene: BRIP1 (BRCA1 interacting DNA helicase 1; minus strand). Cytogenetic location: 17q23.2.
Variant type: single nucleotide variant.
Coding change: c.3080A>C on transcript NM_032043.3 (MANE Select); coding-DNA position 3080, A replaced by C.
Protein change: p.Glu1027Ala; replaces glutamic acid 1027 with alanine.
Molecular consequence: missense variant.
Genome position (GRCh38, 1-based): chr17:61,683,966, T>G on the plus strand (A>C on the coding strand, the complement: BRIP1 is on the minus strand). VCF-style: chr17-61683966-T-G. GRCh37 (hg19) VCF-style: chr17-59761327-T-G.
Other names: short protein forms E1027A.
Identifiers: ClinVar variation 216797 (VCV000216797.11), dbSNP rs863224804, ClinGen allele CA335902.

ClinVar aggregate classification (germline): Conflicting classifications of pathogenicity. Review status: criteria provided, conflicting classifications (1 of 4 stars). 2 submissions from 2 submitters: Uncertain significance (1); Likely benign (1). Last evaluated 2025-01-09.

Conditions:
Hereditary cancer-predisposing syndrome. Also called: Tumor predisposition; Hereditary Cancer Syndrome; Neoplastic Syndromes, Hereditary; Hereditary neoplastic syndrome. Identifiers: Orphanet 140162, MedGen C0027672, MeSH D009386, MONDO:0015356.
Familial cancer of breast. Also called: Hereditary breast cancer; BREAST CANCER, FAMILIAL; hereditary breast carcinoma. Identifiers: Orphanet 227535, MedGen C0346153, MONDO:0016419, OMIM 114480. Disease mechanism: loss of function.
Fanconi anemia complementation group J. Also called: BRIP1-Related Fanconi Anemia. Identifiers: Orphanet 84, MedGen C1836860, MONDO:0012187, OMIM 609054.

Submissions (2):

Ambry Genetics
Classification: Likely benign for Hereditary cancer-predisposing syndrome. Last evaluated: 2025-01-09. Review status: criteria provided, single submitter. Criteria: Ambry Variant Classification Scheme 2023. Collection method: clinical testing. Allele origin: germline.

Labcorp Genetics (formerly Invitae), Labcorp
Classification: Uncertain significance for Familial cancer of breast; Fanconi anemia complementation group J. Last evaluated: 2022-12-15. Review status: criteria provided, single submitter. Criteria: Invitae Variant Classification Sherloc (09022015). Collection method: clinical testing. Allele origin: germline.
Comment: ClinVar contains an entry for this variant (Variation ID: 216797). This variant has not been reported in the literature in individuals affected with BRIP1-related conditions. This variant is not present in population databases (gnomAD no frequency). This sequence change replaces glutamic acid, which is acidic and polar, with alanine, which is neutral and non-polar, at codon 1027 of the BRIP1 protein (p.Glu1027Ala). Algorithms developed to predict the effect of missense changes on protein structure and function (SIFT, PolyPhen-2, Align-GVGD) all suggest that this variant is likely to be tolerated. In summary, the available evidence is currently insufficient to determine the role of this variant in disease. Therefore, it has been classified as a Variant of Uncertain Significance.